The following is an entry in ClinVar:

ClinVar aggregate classification (germline): Conflicting classifications of pathogenicity. Review status: criteria provided, conflicting classifications (1 of 4 stars). 5 submissions from 4 submitters: Uncertain significance (2); Benign (1); Likely benign (1). 1 of the submissions does not count toward it. Last evaluated 2026-01-20.

Conditions:
NDUFS3-related disorder. Also called: NDUFS3-related condition; NDUFS3-Related Disorders.
Leigh syndrome (NULS). Also called: Leigh's syndrome; Leigh's necrotizing encephalopathy; Leigh's disease; Subacute necrotizing encephalopathy; Necrotizing encephalopathy infantile subacute of Leigh; Leigh Syndrome (mtDNA deletion). Identifiers: Orphanet 506, MedGen C2931891, MONDO:0009723, OMIM 256000.
Mitochondrial complex I deficiency, nuclear type 1. Also called: NADH-COENZYME Q REDUCTASE DEFICIENCY; MITOCHONDRIAL NADH DEHYDROGENASE COMPONENT OF COMPLEX I, DEFICIENCY OF. Identifiers: MedGen C6022305, MONDO:0100224, OMIM 252010.

Allele frequency attached by ClinVar (database versions not stated): gnomAD exomes 0.00006 and 0.00030; gnomAD 0.00009 and 0.00006; TOPMed 0.00012; ExAC 0.00018; 1000 Genomes Project 0.00040; 1000 Genomes Project 30x 0.00047.

Submissions (5):

Labcorp Genetics (formerly Invitae), Labcorp
Classification: Benign. Last evaluated: 2026-01-20. Review status: criteria provided, single submitter. Criteria: Invitae Variant Classification Sherloc (09022015). Collection method: clinical testing. Allele origin: germline.

CeGaT Center for Human Genetics Tuebingen
Classification: Likely benign. Last evaluated: 2022-03-01. Review status: criteria provided, single submitter. Criteria: CeGaT Center For Human Genetics Tuebingen Variant Classification Criteria Version 2. Collection method: clinical testing. Allele origin: germline. Affected: yes. Observed: 1 variant allele.
Comment: NDUFS3: BP4, BP7

Illumina Laboratory Services, Illumina
Classification: Uncertain significance for Mitochondrial complex I deficiency, nuclear type 1. Last evaluated: 2018-01-13. Review status: criteria provided, single submitter. Criteria: ICSL Variant Classification Criteria 13 December 2019. Collection method: clinical testing. Allele origin: germline.

Illumina Laboratory Services, Illumina
Classification: Uncertain significance for Leigh syndrome. Last evaluated: 2018-01-13. Review status: criteria provided, single submitter. Criteria: ICSL Variant Classification Criteria 13 December 2019. Collection method: clinical testing. Allele origin: germline.

PreventionGenetics, part of Exact Sciences
Classification: Likely benign for NDUFS3-related condition. Last evaluated: 2019-12-13. Review status: no assertion criteria provided. Collection method: clinical testing. Allele origin: germline. Not counted in ClinVar's aggregate classification.
Comment: This variant is classified as likely benign based on ACMG/AMP sequence variant interpretation guidelines (Richards et al. 2015 PMID: 25741868, with internal and published modifications).

NM_004551.3(NDUFS3):c.783T>C (p.Pro261=)

Gene: NDUFS3 (NADH:ubiquinone oxidoreductase core subunit S3; plus strand). Cytogenetic location: 11p11.2.
Variant type: single nucleotide variant.
Coding change: c.783T>C on transcript NM_004551.3 (MANE Select); coding-DNA position 783, T replaced by C.
Protein change: p.Pro261=; no amino-acid change (proline 261 retained).
Molecular consequence: synonymous variant.
Genome position (GRCh38, 1-based): chr11:47,584,469, T>C. VCF-style: chr11-47584469-T-C. GRCh37 (hg19) VCF-style: chr11-47606021-T-C.
Identifiers: ClinVar variation 304999 (VCV000304999.38), dbSNP rs117981655, ClinGen allele CA5978099.
Genomic context (GRCh38, chr11:47,584,469, plus strand): 5'-TTTCCCAGTCTATCGCCAACCCCCGGAGAGTCTCAAGCTTGAAGCCGGAGACAAGAAGCC[T>C]GATGCCAAGTAGCTCCAGGGAACGCATGTGGATCCTAGACAGCGCCTTATCTATGATTGA-3'
Protein context (NP_004542.1, residues 251-264): SLKLEAGDKK[Pro261=]DAK